The following is an entry in ClinVar:

NM_000089.4(COL1A2):c.551G>A (p.Gly184Asp)

Gene: COL1A2 (collagen type I alpha 2 chain; plus strand). Cytogenetic location: 7q21.3.
Variant type: single nucleotide variant.
Coding change: c.551G>A on transcript NM_000089.4 (MANE Select); coding-DNA position 551, G replaced by A.
Protein change: p.Gly184Asp; replaces glycine 184 with aspartic acid.
Molecular consequence: missense variant.
Genome position (GRCh38, 1-based): chr7:94,406,260, G>A. VCF-style: chr7-94406260-G-A. GRCh37 (hg19) VCF-style: chr7-94035572-G-A.
Other names: short protein forms G184D.
Identifiers: ClinVar variation 931954 (VCV000931954.6), dbSNP rs1791793398, ClinGen allele CA368220026.

ClinVar aggregate classification (germline): Likely pathogenic. Review status: criteria provided, multiple submitters, no conflicts (2 of 4 stars). 3 submissions from 3 submitters: Likely pathogenic (3). Last evaluated 2024-08-11.

Conditions:
Osteogenesis imperfecta (OI). Identifiers: Orphanet 666, MedGen C0029434, MeSH D010013, MONDO:0019019.
Osteogenesis imperfecta with normal sclerae, dominant form (OI4). Also called: OSTEOGENESIS IMPERFECTA WITH NORMAL SCLERAE; OSTEOGENESIS IMPERFECTA, TYPE IV, WITH DENTINOGENESIS IMPERFECTA; Osteogenesis imperfecta type 4; Osteogenesis Imperfecta Type IV; Common Variable Osteogenesis Imperfecta with Normal Sclerae. Identifiers: Orphanet 216820, Orphanet 666, MedGen C0268363, MONDO:0008148, OMIM 166220.
Osteogenesis imperfecta type I (OI1). Also called: Lobstein's Disease; OI, TYPE I; OSTEOGENESIS IMPERFECTA TARDA; OSTEOGENESIS IMPERFECTA WITH BLUE SCLERAE; Osteogenesis imperfecta type 1; Lobstein disease. Identifiers: Orphanet 216796, Orphanet 666, MedGen C0023931, MONDO:0008146, OMIM 166200. Disease mechanism: loss of function.
Ehlers-Danlos syndrome, classic type, 1 (EDSCL1). Also called: Ehlers-Danlos syndrome, type 1; EHLERS-DANLOS SYNDROME, GRAVIS TYPE; EHLERS-DANLOS SYNDROME, SEVERE CLASSIC TYPE; EDS I; Ehlers-Danlos Syndrome, Classic Type, COL5A1-Related. Identifiers: MedGen C0268335, MONDO:0019567, OMIM 130000.

Submissions (3):

Labcorp Genetics (formerly Invitae), Labcorp
Classification: Likely pathogenic for Osteogenesis imperfecta type I; Ehlers-Danlos syndrome, classic type, 1. Last evaluated: 2024-08-11. Review status: criteria provided, single submitter. Criteria: Invitae Variant Classification Sherloc (09022015). Collection method: clinical testing. Allele origin: germline.
Comment: This sequence change replaces glycine, which is neutral and non-polar, with aspartic acid, which is acidic and polar, at codon 184 of the COL1A2 protein (p.Gly184Asp). This variant is not present in population databases (gnomAD no frequency). This missense change has been observed in individual(s) with clinical features of autosomal dominant COL1A2-related conditions (Invitae). ClinVar contains an entry for this variant (Variation ID: 931954). Advanced modeling of protein sequence and biophysical properties (such as structural, functional, and spatial information, amino acid conservation, physicochemical variation, residue mobility, and thermodynamic stability) performed at Invitae indicates that this missense variant is expected to disrupt COL1A2 protein function with a positive predictive value of 95%. This variant disrupts the triple helix domain of COL1A2. Glycine residues within the Gly-Xaa-Yaa repeats of the triple helix domain are required for the structure and stability of fibrillar collagens (PMID: 7695699, 8218237, 19344236). In COL1A2, variants affecting these glycine residues are significantly enriched in individuals with disease (PMID: 9016532, 17078022) compared to the general population (ExAC). In summary, the currently available evidence indicates that the variant is pathogenic, but additional data are needed to prove that conclusively. Therefore, this variant has been classified as Likely Pathogenic.

Cambridge Genomics Laboratory, East Genomic Laboratory Hub, NHS Genomic Medicine Service
Classification: Likely pathogenic for Osteogenesis imperfecta. Last evaluated: 2019-11-29. Review status: criteria provided, single submitter. Criteria: ACGS Best Practice Guidelines for Variant Classification in Rare Disease 2020. Collection method: clinical testing. Allele origin: germline. Affected: yes. Observed: 1 variant allele.

Centre for Mendelian Genomics, University Medical Centre Ljubljana
Classification: Likely pathogenic for Osteogenesis imperfecta with normal sclerae, dominant form. Last evaluated: 2018-11-20. Review status: criteria provided, single submitter. Criteria: ACMG Guidelines, 2015. Collection method: clinical testing. Allele origin: unknown. Affected: yes.
Comment: This variant was classified as: Likely pathogenic. The following ACMG criteria were applied in classifying this variant: PM1,PM2,PP2,PP3.

Literature cited by the submitters: PubMed 7695699 (cited by Labcorp Genetics (formerly Invitae), Labcorp); PubMed 8218237 (cited by Labcorp Genetics (formerly Invitae), Labcorp); PubMed 19344236 (cited by Labcorp Genetics (formerly Invitae), Labcorp); PubMed 9016532 (cited by Labcorp Genetics (formerly Invitae), Labcorp); PubMed 17078022 (cited by Labcorp Genetics (formerly Invitae), Labcorp).